The following is an entry in ClinVar:

NM_003072.5(SMARCA4):c.1705C>T (p.Arg569Trp)

Gene: SMARCA4 (SWI/SNF related BAF chromatin remodeling complex subunit ATPase 4; plus strand). Cytogenetic location: 19p13.2.
Variant type: single nucleotide variant.
Coding change: c.1705C>T on transcript NM_003072.5 (MANE Select); coding-DNA position 1705, C replaced by T.
Protein change: p.Arg569Trp; replaces arginine 569 with tryptophan.
Molecular consequence: missense variant. On other transcripts: non-coding transcript variant (1).
Genome position (GRCh38, 1-based): chr19:10,996,324, C>T. VCF-style: chr19-10996324-C-T. GRCh37 (hg19) VCF-style: chr19-11107000-C-T.
Other names: c.1705C>T, p.Arg569Trp (NM_001128844.3, NM_001128845.2, NM_001128846.2 and 5 more transcripts); short protein forms R569W.
Identifiers: ClinVar variation 238381 (VCV000238381.19), dbSNP rs141090393, ClinGen allele CA9203855.
Genomic context (GRCh38, chr19:10,996,324, plus strand): 5'-CGCCTGGCCTACCTCTTGCAGCAGACAGACGAGTACGTGGCTAACCTCACGGAGCTGGTG[C>T]GGCAGCACAAGGCTGCCCAGGTCGCCAAGGAGAAAAAGAAGAAAAAGAAAAAGAAGGTGT-3'
Protein context (NP_003063.2, residues 559-579): EYVANLTELV[Arg569Trp]QHKAAQVAKE

ClinVar aggregate classification (germline): Conflicting classifications of pathogenicity. Review status: criteria provided, conflicting classifications (1 of 4 stars). 5 submissions from 5 submitters: Uncertain significance (4); Likely benign (1). Last evaluated 2025-11-22.

Conditions:
Hereditary cancer-predisposing syndrome. Also called: Neoplastic Syndromes, Hereditary; Hereditary neoplastic syndrome; Tumor predisposition; Hereditary Cancer Syndrome. Identifiers: Orphanet 140162, MedGen C0027672, MeSH D009386, MONDO:0015356.
Intellectual disability, autosomal dominant 16 (CSS4). Also called: COFFIN-SIRIS SYNDROME 4. Identifiers: Orphanet 1465, MedGen C3553249, MONDO:0013821, OMIM 614609.
Rhabdoid tumor predisposition syndrome 2 (RTPS2). Identifiers: Orphanet 231108, Orphanet 69077, MedGen C2750074, MONDO:0013224, OMIM 613325.

Allele frequency attached by ClinVar (database versions not stated): gnomAD exomes below 0.00001; ExAC 0.00001; TOPMed 0.00001; ESP Exome Variant Server 0.00008.
gnomAD v4.1: 5 of 1,614,132 alleles (0.00031%); highest among the groups gnomAD compares: East Asian, 0.0022%; no homozygotes.

Submissions (5):

Labcorp Genetics (formerly Invitae), Labcorp
Classification: Uncertain significance for Rhabdoid tumor predisposition syndrome 2. Last evaluated: 2025-11-22. Review status: criteria provided, single submitter. Criteria: Invitae Variant Classification Sherloc (09022015). Collection method: clinical testing. Allele origin: germline.
Comment: This sequence change replaces arginine, which is basic and polar, with tryptophan, which is neutral and slightly polar, at codon 569 of the SMARCA4 protein (p.Arg569Trp). This variant is present in population databases (rs141090393, gnomAD 0.0009%). This variant has not been reported in the literature in individuals affected with SMARCA4-related conditions. ClinVar contains an entry for this variant (Variation ID: 238381). An algorithm developed to predict the effect of missense changes on protein structure and function (PolyPhen-2) suggests that this variant is likely to be tolerated. In summary, the available evidence is currently insufficient to determine the role of this variant in disease. Therefore, it has been classified as a Variant of Uncertain Significance.

Quest Diagnostics Nichols Institute San Juan Capistrano
Classification: Uncertain significance. Last evaluated: 2025-07-14. Review status: criteria provided, single submitter. Criteria: Quest Diagnostics criteria. Collection method: clinical testing. Allele origin: unknown.
Comment: The SMARCA4 c.1705C>T (p.Arg569Trp) variant has not been reported in individuals with SMARCA4-related conditions in the published literature. It also has not been reported in large, multi-ethnic general populations (Genome Aggregation Database). Analysis of this variant using bioinformatics tools for the prediction of the effect of amino acid changes on protein structure and function yielded conflicting predictions that this variant is deleterious or benign. Based on the available information, we are unable to determine the clinical significance of this variant.

Ambry Genetics
Classification: Likely benign for Hereditary cancer-predisposing syndrome. Last evaluated: 2022-10-20. Review status: criteria provided, single submitter. Criteria: Ambry Variant Classification Scheme 2023. Collection method: clinical testing. Allele origin: germline.

Genome-Nilou Lab
Classification: Uncertain significance for Intellectual disability, autosomal dominant 16. Last evaluated: 2021-07-15. Review status: criteria provided, single submitter. Criteria: ACMG Guidelines, 2015. Collection method: clinical testing. Allele origin: germline. Affected: no.

GeneDx
Classification: Uncertain significance. Last evaluated: 2021-01-07. Review status: criteria provided, single submitter. Criteria: GeneDx Variant Classification Process June 2021. Collection method: clinical testing. Allele origin: germline. Affected: yes.
Comment: Not observed in large population cohorts (Lek et al., 2016); In silico analysis supports that this missense variant has a deleterious effect on protein structure/function; Has not been previously published as pathogenic or benign to our knowledge